The following is an entry in ClinVar:

ClinVar aggregate classification (germline): Pathogenic/Likely pathogenic. Review status: criteria provided, multiple submitters, no conflicts (2 of 4 stars). 3 submissions from 3 submitters: Pathogenic (2); Likely pathogenic (1). Last evaluated 2025-02-10.

Conditions:
Cardiovascular phenotype. Identifiers: MedGen CN230736.
Hypertrophic cardiomyopathy. Also called: HYPERTROPHIC MYOCARDIOPATHY. Identifiers: Orphanet 217569, MedGen C0007194, MeSH D002312, MONDO:0005045, HP:0001639.

Submissions (3):

Ambry Genetics
Classification: Pathogenic for Cardiovascular phenotype. Last evaluated: 2025-02-10. Review status: criteria provided, single submitter. Criteria: Ambry Variant Classification Scheme 2023. Collection method: clinical testing. Allele origin: germline.
Comment: The c.275_276delTC pathogenic mutation, located in coding exon 2 of the MYBPC3 gene, results from a deletion of two nucleotides at nucleotide positions 275 to 276, causing a translational frameshift with a predicted alternate stop codon (p.L92Qfs*20). This variant was reported in individual(s) with features consistent with hypertrophic cardiomyopathy (Magr&igrave; D et al. J Clin Med, 2020 May;9). This variant is considered to be rare based on population cohorts in the Genome Aggregation Database (gnomAD). This alteration is expected to result in loss of function by premature protein truncation or nonsense-mediated mRNA decay. As such, this alteration is interpreted as a disease-causing mutation.

Labcorp Genetics (formerly Invitae), Labcorp
Classification: Pathogenic for Hypertrophic cardiomyopathy. Last evaluated: 2023-07-25. Review status: criteria provided, single submitter. Criteria: Invitae Variant Classification Sherloc (09022015). Collection method: clinical testing. Allele origin: germline.
Comment: This sequence change creates a premature translational stop signal (p.Leu92Glnfs*20) in the MYBPC3 gene. It is expected to result in an absent or disrupted protein product. Loss-of-function variants in MYBPC3 are known to be pathogenic (PMID: 19574547). This variant is not present in population databases (gnomAD no frequency). This variant has not been reported in the literature in individuals affected with MYBPC3-related conditions. ClinVar contains an entry for this variant (Variation ID: 372417). For these reasons, this variant has been classified as Pathogenic.

GeneDx
Classification: Likely pathogenic. Last evaluated: 2017-01-24. Review status: criteria provided, single submitter. Criteria: GeneDx Variant Classification (06012015). Collection method: clinical testing. Allele origin: germline. Affected: yes.
Comment: Although the c.275_276delTC variant in the MYBPC3 gene has not been reported to our knowledge, this variant causes a shift in reading frame starting at codon Leucine 92, changing it to a Glutamine, and creating a premature stop codon at position 20 of the new reading frame, denoted p.Leu92QfsX20. This variant is expected to result in either an abnormal, truncated protein product or loss of protein from this allele through nonsense-mediated mRNA decay. Other frameshift variants in the MYBPC3 gene have been reported in HGMD in association with HCM (Stenson P et al., 2014). In summary, c.275_276delTC in the MYBPC3 gene is interpreted as a pathogenic variant.

Literature cited by the submitters: PubMed 32481709 (cited by Ambry Genetics); PubMed 19574547 (cited by Labcorp Genetics (formerly Invitae), Labcorp).

NM_000256.3(MYBPC3):c.275_276del (p.Leu92fs)

Gene: MYBPC3 (myosin binding protein C3; minus strand). Cytogenetic location: 11p11.2.
Variant type: Deletion.
Coding change: c.275_276del on transcript NM_000256.3 (MANE Select); coding-DNA positions 275 to 276, 2 bases deleted (TC; older notation c.275_276delTC).
Protein change: p.Leu92fs; shifts the reading frame from leucine 92.
Molecular consequence: frameshift variant.
Genome position (GRCh38, 1-based): chr11:47,351,255-47,351,256, GA deleted on the plus strand (TC on the coding strand, the reverse complement: MYBPC3 is on the minus strand); deleting any 2 consecutive bases within chr11:47,351,255-47,351,257 gives the same sequence; the c. name uses the placement nearest the transcript's 3' end. VCF-style (leftmost placement, unchanged base first): chr11-47351254-TGA-T. GRCh37 (hg19) VCF-style: chr11-47372805-TGA-T.
Other names: c.275_276del, p.Leu92fs (LRG_386t1); c.275_276delTC (NM_000256.3); short protein forms L92fs.
Identifiers: ClinVar variation 372417 (VCV000372417.6), dbSNP rs1057517766, ClinGen allele CA16042751.